The following is an entry in ClinVar:

NM_001384140.1(PCDH15):c.461C>A (p.Ala154Asp)

Gene: PCDH15 (protocadherin related 15; minus strand). Cytogenetic location: 10q21.1.
Variant type: single nucleotide variant.
Coding change: c.461C>A on transcript NM_001384140.1 (MANE Select); coding-DNA position 461, C replaced by A.
Protein change: p.Ala154Asp; replaces alanine 154 with aspartic acid.
Molecular consequence: missense variant.
Genome position (GRCh38, 1-based): chr10:54,369,133, G>T on the plus strand (C>A on the coding strand, the complement: PCDH15 is on the minus strand). VCF-style: chr10-54369133-G-T. GRCh37 (hg19) VCF-style: chr10-56128893-G-T.
Other names: c.476C>A, p.Ala159Asp (NM_001142763.2, NM_001142769.4, NM_001142771.2); c.461C>A, p.Ala154Asp (NM_001142764.2, NM_001142765.2, NM_001142766.2 and 8 more transcripts); c.395C>A, p.Ala132Asp (NM_001142768.2, NM_001142773.2, NM_001354404.2); short protein forms A154D, A159D, A132D.
Identifiers: ClinVar variation 2163405 (VCV002163405.2), dbSNP rs1947254025, ClinGen allele CA376542086.

ClinVar aggregate classification (germline): Uncertain significance. Review status: criteria provided, multiple submitters, no conflicts (2 of 4 stars). 2 submissions from 2 submitters: Uncertain significance (2). Last evaluated 2025-09-04.

Conditions:
Inborn genetic diseases. Identifiers: MedGen C0950123, MeSH D030342.

Allele frequency attached by ClinVar (database versions not stated): gnomAD 0.00001; TOPMed 0.00001.

Submissions (2):

Ambry Genetics
Classification: Uncertain significance for Inborn genetic diseases. Last evaluated: 2025-09-04. Review status: criteria provided, single submitter. Criteria: Ambry Variant Classification Scheme 2023. Collection method: clinical testing. Allele origin: germline.

Labcorp Genetics (formerly Invitae), Labcorp
Classification: Uncertain significance. Last evaluated: 2022-08-03. Review status: criteria provided, single submitter. Criteria: Invitae Variant Classification Sherloc (09022015). Collection method: clinical testing. Allele origin: germline.
Comment: This sequence change replaces alanine, which is neutral and non-polar, with aspartic acid, which is acidic and polar, at codon 154 of the PCDH15 protein (p.Ala154Asp). This variant is not present in population databases (gnomAD no frequency). This variant has not been reported in the literature in individuals affected with PCDH15-related conditions. Algorithms developed to predict the effect of missense changes on protein structure and function are either unavailable or do not agree on the potential impact of this missense change (SIFT: "Deleterious"; PolyPhen-2: "Probably Damaging"; Align-GVGD: "Class C0"). In summary, the available evidence is currently insufficient to determine the role of this variant in disease. Therefore, it has been classified as a Variant of Uncertain Significance.